The following is an entry in ClinVar:

NM_001304438.2(TMEM132E):c.1819G>A (p.Glu607Lys)

Gene: TMEM132E (transmembrane protein 132E; plus strand). Cytogenetic location: 17q12.
Variant type: single nucleotide variant.
Coding change: c.1819G>A on transcript NM_001304438.2 (MANE Select); coding-DNA position 1819, G replaced by A.
Protein change: p.Glu607Lys; replaces glutamic acid 607 with lysine.
Molecular consequence: missense variant.
Genome position (GRCh38, 1-based): chr17:34,634,929, G>A. VCF-style: chr17-34634929-G-A. GRCh37 (hg19) VCF-style: chr17-32961948-G-A.
Other names: short protein forms E607K.
Identifiers: ClinVar variation 1463000 (VCV001463000.3), dbSNP rs182080824, ClinGen allele CA8496810.

ClinVar aggregate classification (germline): Uncertain significance (1 of 4 stars; one submission).

Allele frequency attached by ClinVar (database versions not stated): gnomAD exomes 0.00005 and 0.00014; gnomAD 0.00008; TOPMed 0.00008; ExAC 0.00013; 1000 Genomes Project 0.00040; 1000 Genomes Project 30x 0.00047.
gnomAD v4.1: 80 of 1,614,174 alleles (0.005%); highest among the groups gnomAD compares: Admixed American, 0.043%; 1 homozygote.

Submission:

Labcorp Genetics (formerly Invitae), Labcorp
Classification: Uncertain significance. Last evaluated: 2022-10-17. Review status: criteria provided, single submitter. Criteria: Invitae Variant Classification Sherloc (09022015). Collection method: clinical testing. Allele origin: germline.
Comment: This sequence change replaces glutamic acid, which is acidic and polar, with lysine, which is basic and polar, at codon 607 of the TMEM132E protein (p.Glu607Lys). This variant is present in population databases (rs182080824, gnomAD 0.07%). This variant has not been reported in the literature in individuals affected with TMEM132E-related conditions. Algorithms developed to predict the effect of missense changes on protein structure and function are either unavailable or do not agree on the potential impact of this missense change (SIFT: "Tolerated"; PolyPhen-2: "Not Available"; Align-GVGD: "Class C0"). In summary, the available evidence is currently insufficient to determine the role of this variant in disease. Therefore, it has been classified as a Variant of Uncertain Significance.